The following is an entry in ClinVar:

NM_003441.4(ZNF141):c.1058A>T (p.Lys353Ile)

Gene: ZNF141 (zinc finger protein 141; plus strand). Cytogenetic location: 4p16.3.
Variant type: single nucleotide variant.
Coding change: c.1058A>T on transcript NM_003441.4 (MANE Select); coding-DNA position 1058, A replaced by T.
Protein change: p.Lys353Ile; replaces lysine 353 with isoleucine.
Molecular consequence: missense variant. On other transcripts: intron variant (1).
Genome position (GRCh38, 1-based): chr4:373,495, A>T. VCF-style: chr4-373495-A-T. GRCh37 (hg19) VCF-style: chr4-367284-A-T.
Other names: c.830A>T, p.Lys277Ile (NM_001348277.2); c.570+488A>T (NM_001348278.2); short protein forms K277I, K353I.
Identifiers: ClinVar variation 3055700 (VCV003055700.2), dbSNP rs1553854024, ClinGen allele CA355893992.
Genomic context (GRCh38, chr4:373,495, plus strand): 5'-ATACTGGAGAGAAACCCTACACATGTGAAGAATGTGGCAAAGCTTTTAGACAGTCCTCAA[A>T]ACTGAATGAACATAAGAAAGTTCATACTGGAGAGCGGCCCTACAAATGTGATGAATGTGG-3'
Protein context (NP_003432.1, residues 343-363): ECGKAFRQSS[Lys353Ile]LNEHKKVHTG

ClinVar aggregate classification (germline): Benign (0 of 4 stars; one submission).

Conditions:
ZNF141-related disorder. Also called: ZNF141-related condition.

Submission:

PreventionGenetics, part of Exact Sciences
Classification: Benign for ZNF141-related condition. Last evaluated: 2023-02-27. Review status: no assertion criteria provided. Collection method: clinical testing. Allele origin: germline.
Comment: This variant is classified as benign based on ACMG/AMP sequence variant interpretation guidelines (Richards et al. 2015 PMID: 25741868, with internal and published modifications).